The following is an entry in ClinVar:

NM_000092.5(COL4A4):c.3689G>A (p.Gly1230Asp)

Gene: COL4A4 (collagen type IV alpha 4 chain; minus strand). Cytogenetic location: 2q36.3.
Variant type: single nucleotide variant.
Coding change: c.3689G>A on transcript NM_000092.5 (MANE Select); coding-DNA position 3689, G replaced by A.
Protein change: p.Gly1230Asp; replaces glycine 1230 with aspartic acid.
Molecular consequence: missense variant.
Genome position (GRCh38, 1-based): chr2:227,032,165, C>T on the plus strand (G>A on the coding strand, the complement: COL4A4 is on the minus strand). VCF-style: chr2-227032165-C-T. GRCh37 (hg19) VCF-style: chr2-227896881-C-T.
Other names: short protein forms G1230D.
Identifiers: ClinVar variation 2876045 (VCV002876045.4), dbSNP rs1968566020, ClinGen allele CA350837754.

ClinVar aggregate classification (germline): Conflicting classifications of pathogenicity. Review status: criteria provided, conflicting classifications (1 of 4 stars). 2 submissions from 2 submitters: Likely pathogenic (1); Uncertain significance (1). Last evaluated 2025-09-04.

Conditions:
Alport syndrome. Also called: Hemorrhagic familial nephritis; Hemorrhagic hereditary nephritis; Congenital hereditary hematuria. Identifiers: Orphanet 63, MedGen C1567741, MONDO:0018965.

Submissions (2):

Natera, Inc.
Classification: Likely pathogenic for Alport syndrome. Last evaluated: 2025-09-04. Review status: criteria provided, single submitter. Criteria: Natera Variant Classification Schema (03/2026). Collection method: clinical testing. Allele origin: germline.
Comment: The c.3689G>A variant in COL4A4 is a missense variant predicted to cause substitution of glycine to aspartic acid at amino acid 1230. This variant is rare in the general population with a frequency below the threshold expected for the associated phenotype(s). This variant is located in a functionally critical region of the protein. Computational prediction algorithms indicate this variant is likely to affect gene or protein function. Given the available evidence, this variant is classified as Likely Pathogenic.

Labcorp Genetics (formerly Invitae), Labcorp
Classification: Uncertain significance. Last evaluated: 2023-04-08. Review status: criteria provided, single submitter. Criteria: Invitae Variant Classification Sherloc (09022015). Collection method: clinical testing. Allele origin: germline.
Comment: This variant is not present in population databases (gnomAD no frequency). This sequence change replaces glycine, which is neutral and non-polar, with aspartic acid, which is acidic and polar, at codon 1230 of the COL4A4 protein (p.Gly1230Asp). In summary, the available evidence is currently insufficient to determine the role of this variant in disease. Therefore, it has been classified as a Variant of Uncertain Significance. Advanced modeling of protein sequence and biophysical properties (such as structural, functional, and spatial information, amino acid conservation, physicochemical variation, residue mobility, and thermodynamic stability) performed at Invitae indicates that this missense variant is expected to disrupt COL4A4 protein function. This variant has not been reported in the literature in individuals affected with COL4A4-related conditions.